The following is an entry in ClinVar:

NM_025150.5(TARS2):c.562C>A (p.Leu188Ile)

Gene: TARS2 (threonyl-tRNA synthetase 2, mitochondrial; plus strand). Cytogenetic location: 1q21.2.
Variant type: single nucleotide variant.
Coding change: c.562C>A on transcript NM_025150.5 (MANE Select); coding-DNA position 562, C replaced by A.
Protein change: p.Leu188Ile; replaces leucine 188 with isoleucine.
Molecular consequence: missense variant. On other transcripts: non-coding transcript variant (1).
Genome position (GRCh38, 1-based): chr1:150,491,443, C>A. VCF-style: chr1-150491443-C-A. GRCh37 (hg19) VCF-style: chr1-150463919-C-A.
Other names: c.562C>A, p.Leu188Ile (NM_001271895.2, NM_001271896.2); short protein forms L188I.
Identifiers: ClinVar variation 386934 (VCV000386934.44), dbSNP rs140418026, ClinGen allele CA1076723.

ClinVar aggregate classification (germline): Benign/Likely benign. Review status: criteria provided, multiple submitters, no conflicts (2 of 4 stars). 3 submissions from 3 submitters: Benign (2); Likely benign (1). Last evaluated 2026-07-01.

Allele frequency attached by ClinVar (database versions not stated): gnomAD 0.00153 and 0.00147; 1000 Genomes Project 30x 0.00016; 1000 Genomes Project 0.00020; TOPMed 0.00022; ESP Exome Variant Server 0.00069; ExAC 0.00117; gnomAD exomes 0.00149.

Submissions (3):

CeGaT Center for Human Genetics Tuebingen
Classification: Likely benign. Last evaluated: 2026-07-01. Review status: criteria provided, single submitter. Criteria: CeGaT Center For Human Genetics Tuebingen Variant Classification Criteria Version 2. Collection method: clinical testing. Allele origin: germline. Affected: yes. Observed: 3 variant alleles.
Comment: TARS2: BP4, BS2

Labcorp Genetics (formerly Invitae), Labcorp
Classification: Benign. Last evaluated: 2025-12-02. Review status: criteria provided, single submitter. Criteria: Invitae Variant Classification Sherloc (09022015). Collection method: clinical testing. Allele origin: germline.

GeneDx
Classification: Benign. Last evaluated: 2018-10-04. Review status: criteria provided, single submitter. Criteria: GeneDx Variant Classification Process June 2021. Collection method: clinical testing. Allele origin: germline. Affected: yes.